The following is an entry in ClinVar:

NM_000124.4(ERCC6):c.1738C>A (p.Gln580Lys)

Gene: ERCC6 (ERCC excision repair 6, chromatin remodeling factor; minus strand). Cytogenetic location: 10q11.23.
Variant type: single nucleotide variant.
Coding change: c.1738C>A on transcript NM_000124.4 (MANE Select); coding-DNA position 1738, C replaced by A.
Protein change: p.Gln580Lys; replaces glutamine 580 with lysine.
Molecular consequence: missense variant.
Genome position (GRCh38, 1-based): chr10:49,493,200, G>T on the plus strand (C>A on the coding strand, the complement: ERCC6 is on the minus strand). VCF-style: chr10-49493200-G-T. GRCh37 (hg19) VCF-style: chr10-50701246-G-T.
Other names: c.1738C>A, p.Gln580Lys (NM_001346440.2); short protein forms Q580K.
Identifiers: ClinVar variation 1914042 (VCV001914042.5), dbSNP rs1213371362, ClinGen allele CA376726566.

ClinVar aggregate classification (germline): Uncertain significance (1 of 4 stars; one submission).

Allele frequency attached by ClinVar (database versions not stated): TOPMed below 0.00001; gnomAD 0.00001.
gnomAD v4.1: 3 of 1,613,950 alleles (0.00019%); highest among the groups gnomAD compares: Non-Finnish European, 0.00025%; no homozygotes.

Submission:

Labcorp Genetics (formerly Invitae), Labcorp
Classification: Uncertain significance. Last evaluated: 2025-12-01. Review status: criteria provided, single submitter. Criteria: Invitae Variant Classification Sherloc (09022015). Collection method: clinical testing. Allele origin: germline.
Comment: This sequence change replaces glutamine, which is neutral and polar, with lysine, which is basic and polar, at codon 580 of the ERCC6 protein (p.Gln580Lys). This variant is not present in population databases (gnomAD no frequency). This variant has not been reported in the literature in individuals affected with ERCC6-related conditions. ClinVar contains an entry for this variant (Variation ID: 1914042). Invitae Evidence Modeling of protein sequence and biophysical properties (such as structural, functional, and spatial information, amino acid conservation, physicochemical variation, residue mobility, and thermodynamic stability) indicates that this missense variant is not expected to disrupt ERCC6 protein function with a negative predictive value of 95%. In summary, the available evidence is currently insufficient to determine the role of this variant in disease. Therefore, it has been classified as a Variant of Uncertain Significance.